The following is an entry in ClinVar:

NM_001012339.3(DNAJC21):c.544C>T (p.Arg182Ter)

Gene: DNAJC21 (DnaJ heat shock protein family (Hsp40) member C21; plus strand). Cytogenetic location: 5p13.2.
Variant type: single nucleotide variant.
Coding change: c.544C>T on transcript NM_001012339.3 (MANE Select); coding-DNA position 544, C replaced by T.
Protein change: p.Arg182Ter; replaces arginine 182 with a stop codon.
Molecular consequence: nonsense.
Genome position (GRCh38, 1-based): chr5:34,937,431, C>T. VCF-style: chr5-34937431-C-T. GRCh37 (hg19) VCF-style: chr5-34937536-C-T.
Other names: c.544C>T, p.Arg182Ter (NM_001348420.2, NM_194283.4); c.544C>T (NM_001012339.2); short protein forms R182*.
Identifiers: ClinVar variation 598950 (VCV000598950.13), dbSNP rs771063992, ClinGen allele CA3228490.

ClinVar aggregate classification (germline): Pathogenic/Likely pathogenic. Review status: criteria provided, multiple submitters, no conflicts (2 of 4 stars). 6 submissions from 6 submitters: Pathogenic (3); Likely pathogenic (2). 1 of the submissions does not count toward it. Last evaluated 2026-02-01.

Conditions:
DNAJC21-related disorder. Also called: DNAJC21-related condition.
Bone marrow failure syndrome 3 (BMFS3). Identifiers: MedGen C4310744, MONDO:0014887, OMIM 617052.
DNAJC21-related disorders.

Allele frequency attached by ClinVar (database versions not stated): TOPMed 0.00001; ExAC 0.00003; gnomAD 0.00003; gnomAD exomes 0.00003.
gnomAD v4.1: 34 of 1,613,852 alleles (0.0021%); highest among the groups gnomAD compares: Admixed American, 0.005%; no homozygotes.

Submissions (6):

Labcorp Genetics (formerly Invitae), Labcorp
Classification: Pathogenic. Last evaluated: 2026-02-01. Review status: criteria provided, single submitter. Criteria: Invitae Variant Classification Sherloc (09022015). Collection method: clinical testing. Allele origin: germline.
Comment: This sequence change creates a premature translational stop signal (p.Arg182*) in the DNAJC21 gene. It is expected to result in an absent or disrupted protein product. Loss-of-function variants in DNAJC21 are known to be pathogenic (PMID: 27346687, 28062395). This variant is present in population databases (rs771063992, gnomAD 0.008%). This premature translational stop signal has been observed in individual(s) with DNAJC21-related conditions (PMID: 30755392). ClinVar contains an entry for this variant (Variation ID: 598950). For these reasons, this variant has been classified as Pathogenic.

GeneDx
Classification: Likely pathogenic. Last evaluated: 2025-03-05. Review status: criteria provided, single submitter. Criteria: GeneDx Variant Classification Process June 2021. Collection method: clinical testing. Allele origin: germline. Affected: yes.
Comment: Nonsense variant predicted to result in protein truncation or nonsense mediated decay in a gene for which loss of function is a known mechanism of disease; This variant is associated with the following publications: (PMID: 37450374, 30755392)

Equipe Genetique des Anomalies du Developpement, Université de Bourgogne
Classification: Pathogenic for Bone marrow failure syndrome 3. Last evaluated: 2024-11-04. Review status: criteria provided, single submitter. Criteria: ACMG Guidelines, 2015. Collection method: clinical testing. Allele origin: germline. Affected: yes.
Comment: This is a nonsense variant predicted to result in a premature stop codon at position 182 and likely results in an absent or disrupted protein product. It was found in the compound heterozygous state. It is not reported in gnomAD (v4.1.0) in the homozygous state. Biallelic pathogenic variants in DNAJC21 are reported in autosomal recessive bone marrow failure syndrome 3 (OMIM #617052). It was reported as pathogenic in ClinVar. It was reported in literature (PMID: 30755392). Based on the evidence outlined above, the variant was classified as pathogenic.

Blueprint Genetics
Classification: Likely pathogenic for DNAJC21-related disorders. Last evaluated: 2023-06-19. Review status: criteria provided, single submitter. Criteria: ACMG Guidelines, 2015. Collection method: clinical testing. Allele origin: germline. Affected: yes. Observed: 4 variant alleles.

Center for Personalized Medicine, Children's Hospital Los Angeles
Classification: Pathogenic. Last evaluated: 2018-11-19. Review status: criteria provided, single submitter. Criteria: ACMG Guidelines, 2015. Collection method: clinical testing. Allele origin: germline. Affected: yes.

PreventionGenetics, part of Exact Sciences
Classification: Pathogenic for DNAJC21-related condition. Last evaluated: 2024-08-12. Review status: no assertion criteria provided. Collection method: clinical testing. Allele origin: germline. Not counted in ClinVar's aggregate classification.
Comment: The DNAJC21 c.544C>T variant is predicted to result in premature protein termination (p.Arg182*). This variant has been reported in the homozygous state in an affected individual with a bone marrow failure syndrome (Ji et al 2019. PubMed ID: 30755392). This variant is reported in 0.0085% of alleles in individuals of Latino descent in gnomAD. Nonsense variants in DNAJC21 are expected to be pathogenic. This variant is interpreted as pathogenic.

Literature cited by the submitters: PubMed 27346687 (cited by Labcorp Genetics (formerly Invitae), Labcorp); PubMed 28062395 (cited by Labcorp Genetics (formerly Invitae), Labcorp); PubMed 30755392 (cited by Labcorp Genetics (formerly Invitae), Labcorp and Equipe Genetique des Anomalies du Developpement, Université de Bourgogne).